The following is an entry in ClinVar:

ClinVar aggregate classification (germline): Uncertain significance (1 of 4 stars; one submission).

Allele frequency attached by ClinVar (database versions not stated): gnomAD exomes below 0.00001; gnomAD 0.00001; TOPMed 0.00001.
gnomAD v4.1: 4 of 1,614,182 alleles (0.00025%); highest among the groups gnomAD compares: African/African-American, 0.0027%; no homozygotes.

Submission:

Labcorp Genetics (formerly Invitae), Labcorp
Classification: Uncertain significance. Last evaluated: 2022-07-29. Review status: criteria provided, single submitter. Criteria: Invitae Variant Classification Sherloc (09022015). Collection method: clinical testing. Allele origin: germline.
Comment: This sequence change replaces glutamic acid, which is acidic and polar, with lysine, which is basic and polar, at codon 446 of the CNTNAP1 protein (p.Glu446Lys). This variant is present in population databases (no rsID available, gnomAD 0.007%). This variant has not been reported in the literature in individuals affected with CNTNAP1-related conditions. Algorithms developed to predict the effect of missense changes on protein structure and function (SIFT, PolyPhen-2, Align-GVGD) all suggest that this variant is likely to be tolerated. In summary, the available evidence is currently insufficient to determine the role of this variant in disease. Therefore, it has been classified as a Variant of Uncertain Significance.

NM_003632.3(CNTNAP1):c.1336G>A (p.Glu446Lys)

Gene: CNTNAP1 (contactin associated protein 1; plus strand). Cytogenetic location: 17q21.2.
Variant type: single nucleotide variant.
Coding change: c.1336G>A on transcript NM_003632.3 (MANE Select); coding-DNA position 1336, G replaced by A.
Protein change: p.Glu446Lys; replaces glutamic acid 446 with lysine.
Molecular consequence: missense variant.
Genome position (GRCh38, 1-based): chr17:42,688,491, G>A. VCF-style: chr17-42688491-G-A. GRCh37 (hg19) VCF-style: chr17-40840509-G-A.
Other names: short protein forms E446K.
Identifiers: ClinVar variation 1916978 (VCV001916978.5), dbSNP rs1203537396, ClinGen allele CA399638850.
Genomic context (GRCh38, chr17:42,688,491, plus strand): 5'-TCCACCCACACCATCATCCATTCTTGTCCAGGGTACCGACTGAATGACGGCTTTTGGCAC[G>A]AGGTGAATTTTGTGGCACAGGAAAACCATGCAGTTATCAGCATTGATGATGTGGAAGGGG-3'
Protein context (NP_003623.1, residues 436-456): GYRLNDGFWH[Glu446Lys]VNFVAQENHA